The following is an entry in ClinVar:

ClinVar aggregate classification (germline): Uncertain significance (1 of 4 stars; one submission).

Conditions:
Hereditary cancer-predisposing syndrome. Also called: Neoplastic Syndromes, Hereditary; Tumor predisposition; Hereditary Cancer Syndrome; Hereditary neoplastic syndrome. Identifiers: Orphanet 140162, MedGen C0027672, MeSH D009386, MONDO:0015356.

Submission:

Ambry Genetics
Classification: Uncertain significance for Hereditary cancer-predisposing syndrome. Last evaluated: 2025-10-31. Review status: criteria provided, single submitter. Criteria: Ambry Variant Classification Scheme 2023. Collection method: clinical testing. Allele origin: germline.
Comment: The c.1466_1468delAGGinsCGA variant, located in coding exon 11 of the PMS2 gene, results from an in-frame deletion of AGG and insertion of CGA at nucleotide positions 1466 to 1468. This results in the substitution of EV residues for AM residues at codons 489 to 490. This amino acid region is poorly conserved in available vertebrate species. In addition, this variant is predicted to be neutral by in silico analysis (Choi Y et al. PLoS ONE. 2012; 7(10):e46688). Based on the available evidence, the clinical significance of this variant remains unclear.

NM_000535.7(PMS2):c.1466_1468delinsCGA (p.Glu489_Val490delinsAlaMet)

Gene: PMS2 (PMS1 homolog 2, mismatch repair system component; minus strand). Cytogenetic location: 7p22.1.
Variant type: Indel.
Coding change: c.1466_1468delinsCGA on transcript NM_000535.7 (MANE Select); coding-DNA positions 1466 to 1468, AGG replaced by CGA.
Protein change: p.Glu489_Val490delinsAlaMet.
Molecular consequence: missense variant. On other transcripts: non-coding transcript variant (1), intron variant (1).
Genome position (GRCh38, 1-based): chr7:5,987,297-5,987,299, CCT replaced by TCG on the plus strand (AGG replaced by CGA on the coding strand, the reverse complement: PMS2 is on the minus strand). VCF-style: chr7-5987297-CCT-TCG. GRCh37 (hg19) VCF-style: chr7-6026928-CCT-TCG.
Other names: c.1061_1063delinsCGA, p.Glu354_Val355delinsAlaMet (NM_001322003.2, NM_001322004.2, NM_001322005.2 and 16 more transcripts); c.1310_1312delinsCGA, p.Glu437_Val438delinsAlaMet (NM_001322006.2, NM_001406870.1); c.1148_1150delinsCGA, p.Glu383_Val384delinsAlaMet (NM_001322007.2, NM_001322008.2, NM_001406876.1 and 2 more transcripts); c.905_907delinsCGA, p.Glu302_Val303delinsAlaMet (NM_001322010.2, NM_001406906.1, NM_001406907.1); c.533_535delinsCGA, p.Glu178_Val179delinsAlaMet (NM_001322011.2, NM_001322012.2); c.893_895delinsCGA, p.Glu298_Val299delinsAlaMet (NM_001322013.2, NM_001406909.1); c.1466_1468delinsCGA, p.Glu489_Val490delinsAlaMet (NM_001322014.2, NM_001406871.1, NM_001406872.1); c.1157_1159delinsCGA, p.Glu386_Val387delinsAlaMet (NM_001322015.2, NM_001406875.1, NM_001406877.1 and 5 more transcripts); and 13 more.
Identifiers: ClinVar variation 4667216 (VCV004667216.1).